The following is an entry in ClinVar:

ClinVar aggregate classification (germline): Uncertain significance. Review status: criteria provided, multiple submitters, no conflicts (2 of 4 stars). 2 submissions from 2 submitters: Uncertain significance (2). Last evaluated 2023-09-01.

Submissions (2):

CeGaT Center for Human Genetics Tuebingen
Classification: Uncertain significance. Last evaluated: 2023-09-01. Review status: criteria provided, single submitter. Criteria: CeGaT Center For Human Genetics Tuebingen Variant Classification Criteria Version 2. Collection method: clinical testing. Allele origin: germline. Affected: yes. Observed: 1 variant allele.
Comment: SRCAP: PM2, BP4

Revvity Omics, Revvity
Classification: Uncertain significance. Last evaluated: 2022-02-15. Review status: criteria provided, single submitter. Criteria: ACMG Guidelines, 2015. Collection method: clinical testing. Allele origin: germline.

NM_006662.3(SRCAP):c.4951C>T (p.Pro1651Ser)

Gene: SRCAP (Snf2 related CREBBP activator protein; plus strand). Cytogenetic location: 16p11.2.
Variant type: single nucleotide variant.
Coding change: c.4951C>T on transcript NM_006662.3 (MANE Select); coding-DNA position 4951, C replaced by T.
Protein change: p.Pro1651Ser; replaces proline 1651 with serine.
Molecular consequence: missense variant.
Genome position (GRCh38, 1-based): chr16:30,724,375, C>T. VCF-style: chr16-30724375-C-T. GRCh37 (hg19) VCF-style: chr16-30735696-C-T.
Other names: short protein forms P1651S.
Identifiers: ClinVar variation 2436485 (VCV002436485.27), dbSNP rs2053041782, ClinGen allele CA395616977.